The following is an entry in ClinVar:

ClinVar aggregate classification (germline): Uncertain significance. Review status: criteria provided, multiple submitters, no conflicts (2 of 4 stars). 2 submissions from 2 submitters: Uncertain significance (2). Last evaluated 2026-06-12.

Conditions:
Inborn genetic diseases. Identifiers: MedGen C0950123, MeSH D030342.

Allele frequency attached by ClinVar (database versions not stated): ExAC 0.00001; gnomAD exomes below 0.00001.
gnomAD v4.1: 4 of 1,608,240 alleles (0.00025%); highest among the groups gnomAD compares: African/African-American, 0.0027%; no homozygotes.

Submissions (2):

Ambry Genetics
Classification: Uncertain significance for Inborn genetic diseases. Last evaluated: 2026-06-12. Review status: criteria provided, single submitter. Criteria: Ambry Variant Classification Scheme 2023. Collection method: clinical testing. Allele origin: germline.
Comment: The p.V342A variant (also known as c.1025T>C), located in coding exon 8 of the CDH2 gene, results from a T to C substitution at nucleotide position 1025. The valine at codon 342 is replaced by alanine, an amino acid with similar properties. This amino acid position is conserved. In addition, the in silico prediction for this alteration is inconclusive. Based on the available evidence, the clinical significance of this variant remains unclear.

Labcorp Genetics (formerly Invitae), Labcorp
Classification: Uncertain significance. Last evaluated: 2025-02-26. Review status: criteria provided, single submitter. Criteria: Invitae Variant Classification Sherloc (09022015). Collection method: clinical testing. Allele origin: germline.
Comment: This sequence change replaces valine, which is neutral and non-polar, with alanine, which is neutral and non-polar, at codon 342 of the CDH2 protein (p.Val342Ala). This variant is present in population databases (rs773126408, gnomAD 0.003%). This variant has not been reported in the literature in individuals affected with CDH2-related conditions. ClinVar contains an entry for this variant (Variation ID: 2004188). An algorithm developed to predict the effect of missense changes on protein structure and function (PolyPhen-2) suggests that this variant is likely to be disruptive. In summary, the available evidence is currently insufficient to determine the role of this variant in disease. Therefore, it has been classified as a Variant of Uncertain Significance.

NM_001792.5(CDH2):c.1025T>C (p.Val342Ala)

Gene: CDH2 (cadherin 2; minus strand). Cytogenetic location: 18q12.1.
Variant type: single nucleotide variant.
Coding change: c.1025T>C on transcript NM_001792.5 (MANE Select); coding-DNA position 1025, T replaced by C.
Protein change: p.Val342Ala; replaces valine 342 with alanine.
Molecular consequence: missense variant.
Genome position (GRCh38, 1-based): chr18:27,993,633, A>G on the plus strand (T>C on the coding strand, the complement: CDH2 is on the minus strand). VCF-style: chr18-27993633-A-G. GRCh37 (hg19) VCF-style: chr18-25573597-A-G.
Other names: c.1025T>C (NM_001792.3); c.932T>C, p.Val311Ala (NM_001308176.2); short protein forms V342A, V311A.
Identifiers: ClinVar variation 2004188 (VCV002004188.5), dbSNP rs773126408, ClinGen allele CA8923531.